The following is an entry in ClinVar:

ClinVar aggregate classification (germline): Pathogenic (1 of 4 stars; one submission).

Submission:

Labcorp Genetics (formerly Invitae), Labcorp
Classification: Pathogenic. Last evaluated: 2025-06-09. Review status: criteria provided, single submitter. Criteria: Invitae Variant Classification Sherloc (09022015). Collection method: clinical testing. Allele origin: germline.
Comment: This sequence change creates a premature translational stop signal (p.Gly268Valfs*30) in the C9 gene. It is expected to result in an absent or disrupted protein product. Loss-of-function variants in C9 are known to be pathogenic (PMID: 9144525, 9570574). This variant is present in population databases (rs766483572, gnomAD 0.002%). This variant has not been reported in the literature in individuals affected with C9-related conditions. ClinVar contains an entry for this variant (Variation ID: 1371814). Algorithms developed to predict the effect of sequence changes on RNA splicing suggest that this variant may disrupt the consensus splice site. For these reasons, this variant has been classified as Pathogenic.

Literature cited by the submitters: PubMed 9144525; PubMed 9570574.

NM_001737.5(C9):c.803del (p.Gly268fs)

Gene: C9 (complement C9; minus strand). Cytogenetic location: 5p13.1.
Variant type: Deletion.
Coding change: c.803del on transcript NM_001737.5 (MANE Select); coding-DNA position 803, one base deleted (G; older notation c.803delG).
Protein change: p.Gly268fs; shifts the reading frame from glycine 268.
Molecular consequence: frameshift variant.
Genome position (GRCh38, 1-based): chr5:39,315,842, C deleted on the plus strand (G on the coding strand, the reverse complement: C9 is on the minus strand); the first of 3 consecutive C bases (chr5:39,315,842-39,315,844); deleting any one gives the same sequence. VCF-style (leftmost placement, unchanged base first): chr5-39315841-AC-A. GRCh37 (hg19) VCF-style: chr5-39315943-AC-A.
Other names: short protein forms G268fs.
Identifiers: ClinVar variation 1371814 (VCV001371814.6), dbSNP rs766483572, ClinGen allele CA3246895.